The following is an entry in ClinVar:

NM_006767.4(LZTR1):c.2179A>G (p.Ile727Val)

Gene: LZTR1 (leucine zipper like post translational regulator 1; plus strand). Cytogenetic location: 22q11.21.
Variant type: single nucleotide variant.
Coding change: c.2179A>G on transcript NM_006767.4 (MANE Select); coding-DNA position 2179, A replaced by G.
Protein change: p.Ile727Val; replaces isoleucine 727 with valine.
Molecular consequence: missense variant.
Genome position (GRCh38, 1-based): chr22:20,996,072, A>G. VCF-style: chr22-20996072-A-G. GRCh37 (hg19) VCF-style: chr22-21350361-A-G.
Other names: short protein forms I727V.
Identifiers: ClinVar variation 3869246 (VCV003869246.2).

ClinVar aggregate classification (germline): Uncertain significance. Review status: criteria provided, multiple submitters, no conflicts (2 of 4 stars). 2 submissions from 2 submitters: Uncertain significance (2). Last evaluated 2025-12-30.

Conditions:
Hereditary cancer-predisposing syndrome. Also called: Hereditary neoplastic syndrome; Neoplastic Syndromes, Hereditary; Tumor predisposition; Hereditary Cancer Syndrome. Identifiers: Orphanet 140162, MedGen C0027672, MeSH D009386, MONDO:0015356.
Cardiovascular phenotype. Identifiers: MedGen CN230736.

Submissions (2):

Labcorp Genetics (formerly Invitae), Labcorp
Classification: Uncertain significance. Last evaluated: 2025-12-30. Review status: criteria provided, single submitter. Criteria: Invitae Variant Classification Sherloc (09022015). Collection method: clinical testing. Allele origin: germline.
Comment: This sequence change replaces isoleucine, which is neutral and non-polar, with valine, which is neutral and non-polar, at codon 727 of the LZTR1 protein (p.Ile727Val). This variant is not present in population databases (gnomAD no frequency). This variant has not been reported in the literature in individuals affected with LZTR1-related conditions. ClinVar contains an entry for this variant (Variation ID: 3869246). Invitae Evidence Modeling of protein sequence and biophysical properties (such as structural, functional, and spatial information, amino acid conservation, physicochemical variation, residue mobility, and thermodynamic stability) indicates that this missense variant is not expected to disrupt LZTR1 protein function with a negative predictive value of 80%. In summary, the available evidence is currently insufficient to determine the role of this variant in disease. Therefore, it has been classified as a Variant of Uncertain Significance.

Ambry Genetics
Classification: Uncertain significance for Cardiovascular phenotype; Hereditary cancer-predisposing syndrome. Last evaluated: 2024-12-28. Review status: criteria provided, single submitter. Criteria: Ambry Variant Classification Scheme 2023. Collection method: clinical testing. Allele origin: germline.
Comment: The p.I727V variant (also known as c.2179A>G), located in coding exon 18 of the LZTR1 gene, results from an A to G substitution at nucleotide position 2179. The isoleucine at codon 727 is replaced by valine, an amino acid with highly similar properties. This amino acid position is conserved. In addition, the in silico prediction for this alteration is inconclusive. Based on the available evidence, the clinical significance of this variant remains unclear.